The following is an entry in ClinVar:

NM_001267550.2(TTN):c.102540T>A (p.Ser34180Arg)

Genes: TTN (titin; minus strand), TTN-AS1 (TTN antisense RNA 1; plus strand). Cytogenetic location: 2q31.2.
Variant type: single nucleotide variant.
Coding change: c.102540T>A on transcript NM_001267550.2 (MANE Select); coding-DNA position 102540, T replaced by A.
Protein change: p.Ser34180Arg; replaces serine 34180 with arginine.
Molecular consequence: missense variant.
Genome position (GRCh38, 1-based): chr2:178,534,075, A>T on the plus strand (T>A on the coding strand, the complement: TTN is on the minus strand). VCF-style: chr2-178534075-A-T. GRCh37 (hg19) VCF-style: chr2-179398802-A-T.
Other names: c.97617T>A, p.Ser32539Arg (NM_001256850.1); c.75345T>A, p.Ser25115Arg (NM_003319.4); c.94836T>A, p.Ser31612Arg (NM_133378.4); c.75720T>A, p.Ser25240Arg (NM_133432.3); c.75921T>A, p.Ser25307Arg (NM_133437.4); short protein forms S32539R, S25240R, S25307R, S25115R, S31612R, S34180R.
Identifiers: ClinVar variation 2027322 (VCV002027322.4), dbSNP rs368844570, ClinGen allele CA349417311.

ClinVar aggregate classification (germline): Uncertain significance (1 of 4 stars; one submission).

Conditions:
Dilated cardiomyopathy 1G (CMD1G). Identifiers: Orphanet 154, MedGen C1858763, MONDO:0011400, OMIM 604145.
Autosomal recessive limb-girdle muscular dystrophy type 2J (LGMDR10). Also called: Limb-girdle muscular dystrophy, type 2J; MUSCULAR DYSTROPHY, LIMB-GIRDLE, AUTOSOMAL RECESSIVE 10. Identifiers: Orphanet 140922, MedGen C1837342, MONDO:0012127, OMIM 608807.

Submission:

Labcorp Genetics (formerly Invitae), Labcorp
Classification: Uncertain significance for Dilated cardiomyopathy 1G; Autosomal recessive limb-girdle muscular dystrophy type 2J. Last evaluated: 2022-09-05. Review status: criteria provided, single submitter. Criteria: Invitae Variant Classification Sherloc (09022015). Collection method: clinical testing. Allele origin: germline.
Comment: This sequence change replaces serine, which is neutral and polar, with arginine, which is basic and polar, at codon 34180 of the TTN protein (p.Ser34180Arg). This variant is located in the M band of TTN (PMID: 25589632). Variants in this region may be relevant for neuromuscular disorders, but have not been definitively shown to cause cardiomyopathy (PMID: 23975875). In summary, the available evidence is currently insufficient to determine the role of this variant in disease. Therefore, it has been classified as a Variant of Uncertain Significance. Experimental studies and prediction algorithms are not available or were not evaluated, and the functional significance of this variant is currently unknown. This variant has not been reported in the literature in individuals affected with TTN-related conditions. This variant is not present in population databases (gnomAD no frequency).

Literature cited by the submitters: PubMed 25589632; PubMed 23975875.